The following is an entry in ClinVar:

ClinVar aggregate classification (germline): Uncertain significance (1 of 4 stars; one submission).

Submission:

Labcorp Genetics (formerly Invitae), Labcorp
Classification: Uncertain significance. Last evaluated: 2024-05-15. Review status: criteria provided, single submitter. Criteria: Invitae Variant Classification Sherloc (09022015). Collection method: clinical testing. Allele origin: germline.
Comment: This sequence change replaces leucine, which is neutral and non-polar, with proline, which is neutral and non-polar, at codon 2601 of the HTT protein (p.Leu2601Pro). Information on the frequency of this variant in the gnomAD database is not available, as this variant may be reported differently in the database. This variant has not been reported in the literature in individuals affected with HTT-related conditions. ClinVar contains an entry for this variant (Variation ID: 1489707). Experimental studies and prediction algorithms are not available or were not evaluated, and the functional significance of this variant is currently unknown. In summary, the available evidence is currently insufficient to determine the role of this variant in disease. Therefore, it has been classified as a Variant of Uncertain Significance.

NM_001388492.1(HTT):c.7796_7797delinsCG (p.Leu2599Pro)

Gene: HTT (huntingtin; plus strand). Cytogenetic location: 4p16.3.
Variant type: Indel.
Coding change: c.7796_7797delinsCG on transcript NM_001388492.1 (MANE Select); coding-DNA positions 7796 to 7797, TA replaced by CG.
Protein change: p.Leu2599Pro; replaces leucine 2599 with proline.
Molecular consequence: missense variant.
Genome position (GRCh38, 1-based): chr4:3,225,691-3,225,692, TA replaced by CG. VCF-style: chr4-3225691-TA-CG. GRCh37 (hg19) VCF-style: chr4-3227418-TA-CG.
Other names: c.7802_7803delinsCG, p.Leu2601Pro (NM_002111.8); short protein forms L2601P, L2599P.
Identifiers: ClinVar variation 1489707 (VCV001489707.6), dbSNP rs2110291453, ClinGen allele CA2573137587.